The following is an entry in ClinVar:

ClinVar aggregate classification (germline): Likely benign (0 of 4 stars; one submission).

Conditions:
AGBL1-related disorder. Also called: AGBL1-related condition.

Allele frequency attached by ClinVar (database versions not stated): TOPMed 0.00003; ExAC 0.00005; gnomAD 0.00008.
gnomAD v4.1: 114 of 1,613,488 alleles (0.0071%); highest among the groups gnomAD compares: Middle Eastern, 0.28%; 4 homozygotes.

Submission:

PreventionGenetics, part of Exact Sciences
Classification: Likely benign for AGBL1-related condition. Last evaluated: 2019-03-25. Review status: no assertion criteria provided. Collection method: clinical testing. Allele origin: germline.
Comment: This variant is classified as likely benign based on ACMG/AMP sequence variant interpretation guidelines (Richards et al. 2015 PMID: 25741868, with internal and published modifications).

NM_001386094.1(AGBL1):c.1926G>A (p.Ala642=)

Gene: AGBL1 (AGBL carboxypeptidase 1; plus strand). Cytogenetic location: 15q25.3.
Variant type: single nucleotide variant.
Coding change: c.1926G>A on transcript NM_001386094.1 (MANE Select); coding-DNA position 1926, G replaced by A.
Protein change: p.Ala642=; no amino-acid change (alanine 642 retained).
Molecular consequence: synonymous variant.
Genome position (GRCh38, 1-based): chr15:86,270,006, G>A. VCF-style: chr15-86270006-G-A. GRCh37 (hg19) VCF-style: chr15-86813237-G-A.
Other names: c.1926G>A, p.Ala642= (NM_152336.4).
Identifiers: ClinVar variation 3056202 (VCV003056202.2), dbSNP rs755553306, ClinGen allele CA7715891.